The following is an entry in ClinVar:

NM_001386140.1(MTTP):c.2031del (p.Thr678fs)

Gene: MTTP (microsomal triglyceride transfer protein; plus strand). Cytogenetic location: 4q23.
Variant type: Deletion.
Coding change: c.2031del on transcript NM_001386140.1 (MANE Select); coding-DNA position 2031, one base deleted (C; older notation c.2031delC).
Protein change: p.Thr678fs; shifts the reading frame from threonine 678.
Molecular consequence: frameshift variant.
Genome position (GRCh38, 1-based): chr4:99,612,954, C deleted; the last of 2 consecutive C bases (chr4:99,612,953-99,612,954); deleting either gives the same sequence. VCF-style (leftmost placement, unchanged base first): chr4-99612952-GC-G. GRCh37 (hg19) VCF-style: chr4-100534109-GC-G.
Other names: c.2031del, p.Thr678fs (NM_000253.4); c.1782del, p.Thr595fs (NM_001300785.2); c.2031delC (NM_000253.3); short protein forms T595fs, T678fs.
Identifiers: ClinVar variation 1409778 (VCV001409778.8), dbSNP rs752556986, ClinGen allele CA3022279.

ClinVar aggregate classification (germline): Pathogenic/Likely pathogenic. Review status: criteria provided, multiple submitters, no conflicts (2 of 4 stars). 3 submissions from 3 submitters: Pathogenic (1); Likely pathogenic (2). Last evaluated 2024-12-12.

Conditions:
MTTP-related disorder. Also called: MTTP-related condition.
Abetalipoproteinaemia (ABL). Also called: Abetalipoproteinemia; Abetalipoproteinemia neuropathy; Apolipoprotein B deficiency; Congenital betalipoprotein deficiency syndrome; MTP DEFICIENCY. Identifiers: Orphanet 14, MedGen C0000744, MONDO:0008692, OMIM 200100, HP:0008181.

Submissions (3):

Labcorp Genetics (formerly Invitae), Labcorp
Classification: Pathogenic. Last evaluated: 2024-12-12. Review status: criteria provided, single submitter. Criteria: Invitae Variant Classification Sherloc (09022015). Collection method: clinical testing. Allele origin: germline.
Comment: This sequence change creates a premature translational stop signal (p.Thr678Profs*36) in the MTTP gene. It is expected to result in an absent or disrupted protein product. Loss-of-function variants in MTTP are known to be pathogenic (PMID: 8533758, 9671739). This variant is present in population databases (rs752556986, gnomAD 0.0009%). This variant has not been reported in the literature in individuals affected with MTTP-related conditions. ClinVar contains an entry for this variant (Variation ID: 1409778). For these reasons, this variant has been classified as Pathogenic.

Natera, Inc.
Classification: Likely pathogenic for Abetalipoproteinemia. Last evaluated: 2024-08-27. Review status: criteria provided, single submitter. Criteria: Natera Variant Classification Schema (03/2026). Collection method: clinical testing. Allele origin: germline.
Comment: The c.2031delC variant in MTTP is a frameshift variant predicted to shift the reading frame beginning at codon 678 and leads to a stop codon 36 codons downstream. This variant may result in a truncated or dysfunctional protein product. This variant is rare in the general population with a frequency below the threshold expected for the associated phenotype(s). Given the available evidence, this variant is classified as Likely Pathogenic.

Blueprint Genetics
Classification: Likely pathogenic for MTTP-related disorders. Last evaluated: 2021-06-01. Review status: criteria provided, single submitter. Criteria: ACMG Guidelines, 2015. Collection method: clinical testing. Allele origin: germline. Affected: yes. Observed: 1 variant allele.

Literature cited by the submitters: PubMed 8533758 (cited by Labcorp Genetics (formerly Invitae), Labcorp); PubMed 9671739 (cited by Labcorp Genetics (formerly Invitae), Labcorp).